The following is an entry in ClinVar:

NM_001367977.2(SCUBE2):c.2505C>T (p.Asn835=)

Genes: SCUBE2 (signal peptide, CUB domain and EGF like domain containing 2; minus strand), NRIP3-DT (NRIP3 divergent transcript; plus strand). Cytogenetic location: 11p15.4.
Variant type: single nucleotide variant.
Coding change: c.2505C>T on transcript NM_001367977.2 (MANE Select); coding-DNA position 2505, C replaced by T.
Protein change: p.Asn835=; no amino-acid change (asparagine 835 retained).
Molecular consequence: synonymous variant. On other transcripts: intron variant (1).
Genome position (GRCh38, 1-based): chr11:9,027,560, G>A on the plus strand (C>T on the coding strand, the complement: SCUBE2 is on the minus strand). VCF-style: chr11-9027560-G-A. GRCh37 (hg19) VCF-style: chr11-9049107-G-A.
Other names: c.2418C>T, p.Asn806= (NM_001330199.3); c.2334C>T, p.Asn778= (NM_020974.4); c.2039-1706C>T (NM_001170690.3).
Identifiers: ClinVar variation 3025436 (VCV003025436.22), dbSNP rs201022789, ClinGen allele CA5876130.

ClinVar aggregate classification (germline): Likely benign (1 of 4 stars; one submission).

Allele frequency attached by ClinVar (database versions not stated): ESP Exome Variant Server 0.00023; TOPMed 0.00032; gnomAD 0.00050; 1000 Genomes Project 30x 0.00156; ExAC 0.00157; 1000 Genomes Project 0.00180.

Submission:

CeGaT Center for Human Genetics Tuebingen
Classification: Likely benign. Last evaluated: 2023-12-01. Review status: criteria provided, single submitter. Criteria: CeGaT Center For Human Genetics Tuebingen Variant Classification Criteria Version 2. Collection method: clinical testing. Allele origin: germline. Affected: yes. Observed: 1 variant allele.
Comment: SCUBE2: BP4